The following is an entry in ClinVar:

GRCh38/hg38 13q33.2-34(chr13:106135733-111272851)x3

Genes: ABHD13 (abhydrolase domain containing 13; plus strand), ANKRD10 (ankyrin repeat domain 10; minus strand), ARGLU1 (arginine and glutamate rich 1; minus strand), ARGLU1-DT (ARGLU1 divergent transcript; plus strand), ARHGEF7 (Rho guanine nucleotide exchange factor 7; plus strand) and 166 more. Cytogenetic location: 13q33.2-34.
Variant type: copy number gain.
Change: copy number 3 (three copies instead of two) of chr13:106,135,733-111,272,851 (5.14 Mb, GRCh38 coordinates, 1-based), cytogenetic band 13q33.2-34.
Identifiers: ClinVar variation 5038326 (VCV005038326.1).

ClinVar aggregate classification (germline): Uncertain significance (1 of 4 stars; one submission).

Submission:

Clinical Genomics Laboratory, Laboratory for Precision Diagnostics, University of Washington
Classification: Uncertain significance. Last evaluated: 2026-02-04. Review status: criteria provided, single submitter. Criteria: ACMG/ClinGen CNV Guidelines, 2019. Collection method: clinical testing. Allele origin: unknown. Affected: yes. Observed: 1 variant allele.
Comment: This interstitial duplication is approximately 5.13 MB in size and involves at least 16 protein-coding genes. None of the genes in the duplicated region are known to cause medical problems in humans when an extra copy is present (triplosensitivity) at this time, and this is not a known triplosensitive genomic region. However, there are several reports of duplications or triplications involving portions of or entire copies of COL4A1 and COL4A2 in people with cerebral small vessel disease or intracerebral hemorrhage (PMID: 40261521, 36781956, 36264376, 34470488, 29703772, 25098541, 29179725). This test cannot distinguish tandem duplications from an insertion elsewhere in the genome, with potential for pathogenic disruption of genes at the insertion site.

Literature cited by the submitters: PubMed 29703772; PubMed 36781956; PubMed 36264376; PubMed 29179725; PubMed 25098541; PubMed 40261521; PubMed 34470488.